The following is an entry in ClinVar:

ClinVar aggregate classification (germline): Benign/Likely benign. Review status: criteria provided, multiple submitters, no conflicts (2 of 4 stars). 4 submissions from 4 submitters: Benign (1); Likely benign (3). Last evaluated 2024-08-21.

Conditions:
Hereditary cancer-predisposing syndrome. Also called: Hereditary Cancer Syndrome; Neoplastic Syndromes, Hereditary; Tumor predisposition; Hereditary neoplastic syndrome. Identifiers: Orphanet 140162, MedGen C0027672, MeSH D009386, MONDO:0015356.
Fanconi anemia complementation group J. Also called: BRIP1-Related Fanconi Anemia. Identifiers: Orphanet 84, MedGen C1836860, MONDO:0012187, OMIM 609054.
Familial cancer of breast. Also called: Hereditary breast cancer; hereditary breast carcinoma; BREAST CANCER, FAMILIAL. Identifiers: Orphanet 227535, MedGen C0346153, MONDO:0016419, OMIM 114480. Disease mechanism: loss of function.

Allele frequency attached by ClinVar (database versions not stated): gnomAD exomes below 0.00001.
gnomAD v4.1: 2 of 1,613,492 alleles (0.00012%); highest among the groups gnomAD compares: Non-Finnish European, 0.00017%; no homozygotes.

Submissions (4):

Myriad Genetics, Inc.
Classification: Benign for Familial cancer of breast. Last evaluated: 2024-08-21. Review status: criteria provided, single submitter. Criteria: Myriad Autosomal Dominant, Autosomal Recessive and X-Linked Classification Criteria (2023). Collection method: clinical testing. Allele origin: unknown.
Comment: This variant is considered benign. This variant is a silent/synonymous amino acid change and it is not expected to impact splicing.

Labcorp Genetics (formerly Invitae), Labcorp
Classification: Likely benign for Familial cancer of breast; Fanconi anemia complementation group J. Last evaluated: 2023-12-06. Review status: criteria provided, single submitter. Criteria: Invitae Variant Classification Sherloc (09022015). Collection method: clinical testing. Allele origin: germline.

Color Diagnostics, LLC DBA Color Health
Classification: Likely benign for Hereditary cancer-predisposing syndrome. Last evaluated: 2020-06-22. Review status: criteria provided, single submitter. Criteria: ACMG Guidelines, 2015. Collection method: clinical testing. Allele origin: germline.

Ambry Genetics
Classification: Likely benign for Hereditary cancer-predisposing syndrome. Last evaluated: 2015-07-17. Review status: criteria provided, single submitter. Criteria: Ambry Variant Classification Scheme 2023. Collection method: clinical testing. Allele origin: germline.

NM_032043.3(BRIP1):c.468A>G (p.Val156=)

Gene: BRIP1 (BRCA1 interacting DNA helicase 1; minus strand). Cytogenetic location: 17q23.2.
Variant type: single nucleotide variant.
Coding change: c.468A>G on transcript NM_032043.3 (MANE Select); coding-DNA position 468, A replaced by G.
Protein change: p.Val156=; no amino-acid change (valine 156 retained).
Molecular consequence: synonymous variant.
Genome position (GRCh38, 1-based): chr17:61,849,168, T>C on the plus strand (A>G on the coding strand, the complement: BRIP1 is on the minus strand). VCF-style: chr17-61849168-T-C. GRCh37 (hg19) VCF-style: chr17-59926529-T-C.
Identifiers: ClinVar variation 233038 (VCV000233038.12), dbSNP rs876660148, ClinGen allele CA10580874.